The following is an entry in ClinVar:

ClinVar aggregate classification (germline): Uncertain significance (1 of 4 stars; one submission).

Allele frequency attached by ClinVar (database versions not stated): TOPMed below 0.00001; gnomAD 0.00001.
gnomAD v4.1: 1 of 1,612,780 alleles (0.000062%); highest among the groups gnomAD compares: Non-Finnish European, 0.000085%; no homozygotes.

Submission:

GeneDx
Classification: Uncertain significance. Last evaluated: 2023-02-13. Review status: criteria provided, single submitter. Criteria: GeneDx Variant Classification Process June 2021. Collection method: clinical testing. Allele origin: germline. Affected: yes.
Comment: Not observed at significant frequency in large population cohorts (gnomAD); In silico analysis supports that this missense variant has a deleterious effect on protein structure/function; Has not been previously published as pathogenic or benign to our knowledge

NM_012199.5(AGO1):c.644T>C (p.Ile215Thr)

Gene: AGO1 (argonaute RISC component 1; plus strand). Cytogenetic location: 1p34.3.
Variant type: single nucleotide variant.
Coding change: c.644T>C on transcript NM_012199.5 (MANE Select); coding-DNA position 644, T replaced by C.
Protein change: p.Ile215Thr; replaces isoleucine 215 with threonine.
Molecular consequence: missense variant.
Genome position (GRCh38, 1-based): chr1:35,893,805, T>C. VCF-style: chr1-35893805-T-C. GRCh37 (hg19) VCF-style: chr1-36359406-T-C.
Other names: c.644T>C, p.Ile215Thr (NM_001317122.2); c.419T>C, p.Ile140Thr (NM_001317123.2); short protein forms I140T, I215T.
Identifiers: ClinVar variation 2575855 (VCV002575855.1), dbSNP rs1415969084, ClinGen allele CA339367847.